The following is an entry in ClinVar:

NM_000081.4(LYST):c.2946T>C (p.Tyr982=)

Gene: LYST (lysosomal trafficking regulator; minus strand). Cytogenetic location: 1q42.3.
Variant type: single nucleotide variant.
Coding change: c.2946T>C on transcript NM_000081.4 (MANE Select); coding-DNA position 2946, T replaced by C.
Protein change: p.Tyr982=; no amino-acid change (tyrosine 982 retained).
Molecular consequence: synonymous variant.
Genome position (GRCh38, 1-based): chr1:235,806,190, A>G on the plus strand (T>C on the coding strand, the complement: LYST is on the minus strand). VCF-style: chr1-235806190-A-G. GRCh37 (hg19) VCF-style: chr1-235969490-A-G.
Other names: c.2946T>C, p.Tyr982= (NM_001301365.1).
Identifiers: ClinVar variation 296410 (VCV000296410.22), dbSNP rs145892183, ClinGen allele CA1467175.

ClinVar aggregate classification (germline): Conflicting classifications of pathogenicity. Review status: criteria provided, conflicting classifications (1 of 4 stars). 8 submissions from 8 submitters: Uncertain significance (1); Likely benign (5). 2 of the submissions do not count toward it. Last evaluated 2026-02-02.

Conditions:
Chédiak-Higashi syndrome (CHS). Also called: Chediak-Higashi Syndrome. Identifiers: Orphanet 167, MedGen C0007965, MONDO:0008963, OMIM 214500.
LYST-related disorder. Also called: LYST-related condition.

Allele frequency attached by ClinVar (database versions not stated): 1000 Genomes Project 30x 0.00016; TOPMed 0.00019; 1000 Genomes Project 0.00020; ExAC 0.00028; gnomAD 0.00034; gnomAD exomes 0.00034 and 0.00052; ESP Exome Variant Server 0.00046.
gnomAD v4.1: 791 of 1,613,944 alleles (0.049%); highest among the groups gnomAD compares: Non-Finnish European, 0.056%; 2 homozygotes.

Submissions (8):

Labcorp Genetics (formerly Invitae), Labcorp
Classification: Likely benign for Chédiak-Higashi syndrome. Last evaluated: 2026-02-02. Review status: criteria provided, single submitter. Criteria: Invitae Variant Classification Sherloc (09022015). Collection method: clinical testing. Allele origin: germline.

Women's Health and Genetics/Laboratory Corporation of America, LabCorp
Classification: Likely benign. Last evaluated: 2025-05-12. Review status: criteria provided, single submitter. Criteria: LabCorp Variant Classification Summary - May 2015. Collection method: clinical testing. Allele origin: germline.

PreventionGenetics, part of Exact Sciences
Classification: Likely benign for LYST-related condition. Last evaluated: 2025-01-30. Review status: criteria provided, single submitter. Criteria: ACMG Guidelines, 2015. Collection method: clinical testing. Allele origin: germline.
Comment: This variant is classified as likely benign based on ACMG/AMP sequence variant interpretation guidelines (Richards et al. 2015 PMID: 25741868, with internal and published modifications).

Blueprint Genetics
Classification: Likely benign. Last evaluated: 2024-10-18. Review status: criteria provided, single submitter. Criteria: ACMG Guidelines, 2015. Collection method: clinical testing. Allele origin: germline.

Center for Genomics, Ann and Robert H. Lurie Children's Hospital of Chicago
Classification: Likely benign for Chédiak-Higashi syndrome. Last evaluated: 2022-11-09. Review status: criteria provided, single submitter. Criteria: ACMG Guidelines, 2015. Collection method: clinical testing. Allele origin: germline.
Comment: This variant has not been reported in the literature but is present in the Genome Aggregation Database (Highest reported MAF 0.2% [26/10600]). This variant is present in ClinVar (Variation ID: 296410). Evolutionary conservation and computational prediction tools for this variant are limited or unavailable. Of note, this is a silent variant and does not change the amino acid, reducing the probability that this variant is disease-causing. In summary, data on this variant suggests that this variant does not cause disease but requires further evidence. Therefore, this variant is classified as likely benign.

Illumina Laboratory Services, Illumina
Classification: Uncertain significance for Chédiak-Higashi syndrome. Last evaluated: 2018-01-13. Review status: criteria provided, single submitter. Criteria: ICSL Variant Classification Criteria 13 December 2019. Collection method: clinical testing. Allele origin: germline.

Clinical Genetics DNA and cytogenetics Diagnostics Lab, Erasmus MC, Erasmus Medical Center
Classification: Likely benign. Review status: no assertion criteria provided. Collection method: clinical testing. Allele origin: germline. Affected: yes. Study: VKGL Data-share Consensus. Not counted in ClinVar's aggregate classification.

Clinical Genetics, Academic Medical Center
Classification: Benign. Review status: no assertion criteria provided. Collection method: clinical testing. Allele origin: germline. Affected: yes. Study: VKGL Data-share Consensus. Not counted in ClinVar's aggregate classification.